The following is an entry in ClinVar:

ClinVar aggregate classification (germline): Uncertain significance. Review status: criteria provided, multiple submitters, no conflicts (2 of 4 stars). 2 submissions from 2 submitters: Uncertain significance (2). Last evaluated 2024-10-14.

Conditions:
Hereditary cancer-predisposing syndrome. Also called: Tumor predisposition; Hereditary neoplastic syndrome; Neoplastic Syndromes, Hereditary; Hereditary Cancer Syndrome. Identifiers: Orphanet 140162, MedGen C0027672, MeSH D009386, MONDO:0015356.
Parathyroid carcinoma (PRTC). Also called: Parathyroid gland carcinoma; CDC73-Related Parathyroid Carcinoma. Identifiers: Orphanet 143, MedGen C0687150, MONDO:0012004, OMIM 608266, HP:0006780.

Submissions (2):

Ambry Genetics
Classification: Uncertain significance for Hereditary cancer-predisposing syndrome. Last evaluated: 2024-10-14. Review status: criteria provided, single submitter. Criteria: Ambry Variant Classification Scheme 2023. Collection method: clinical testing. Allele origin: germline.
Comment: The p.N352S variant (also known as c.1055A>G), located in coding exon 12 of the CDC73 gene, results from an A to G substitution at nucleotide position 1055. The asparagine at codon 352 is replaced by serine, an amino acid with highly similar properties. This amino acid position is conserved. In addition, this alteration is predicted to be tolerated by in silico analysis. Since supporting evidence is limited at this time, the clinical significance of this alteration remains unclear.

Labcorp Genetics (formerly Invitae), Labcorp
Classification: Uncertain significance for Parathyroid carcinoma. Last evaluated: 2019-11-10. Review status: criteria provided, single submitter. Criteria: Invitae Variant Classification Sherloc (09022015). Collection method: clinical testing. Allele origin: germline.
Comment: This variant has not been reported in the literature in individuals with CDC73-related conditions. This sequence change replaces asparagine with serine at codon 352 of the CDC73 protein (p.Asn352Ser). The asparagine residue is moderately conserved and there is a small physicochemical difference between asparagine and serine. This variant is not present in population databases (ExAC no frequency). Algorithms developed to predict the effect of missense changes on protein structure and function (SIFT, PolyPhen-2, Align-GVGD) all suggest that this variant is likely to be tolerated, but these predictions have not been confirmed by published functional studies and their clinical significance is uncertain. In summary, the available evidence is currently insufficient to determine the role of this variant in disease. Therefore, it has been classified as a Variant of Uncertain Significance.

NM_024529.5(CDC73):c.1055A>G (p.Asn352Ser)

Gene: CDC73 (cell division cycle 73; plus strand). Cytogenetic location: 1q31.2.
Variant type: single nucleotide variant.
Coding change: c.1055A>G on transcript NM_024529.5 (MANE Select); coding-DNA position 1055, A replaced by G.
Protein change: p.Asn352Ser; replaces asparagine 352 with serine.
Molecular consequence: missense variant.
Genome position (GRCh38, 1-based): chr1:193,212,089, A>G. VCF-style: chr1-193212089-A-G. GRCh37 (hg19) VCF-style: chr1-193181219-A-G.
Other names: short protein forms N352S.
Identifiers: ClinVar variation 856058 (VCV000856058.13), dbSNP rs1677289748, ClinGen allele CA344077465.